The following is an entry in ClinVar:

NM_007294.4(BRCA1):c.*101_*103del

Gene: BRCA1 (BRCA1 DNA repair associated; minus strand). Cytogenetic location: 17q21.31.
Variant type: Deletion.
Coding change: c.*101_*103del on transcript NM_007294.4 (MANE Select); 101 bases downstream of the stop codon through 103 bases downstream of the stop codon, 3 bases deleted (ACT; older notation c.*101_*103delACT).
Molecular consequence: 3 prime UTR variant. On other transcripts: non-coding transcript variant (1).
Genome position (GRCh38, 1-based): chr17:43,045,575-43,045,577, AGT deleted on the plus strand (ACT on the coding strand, the reverse complement: BRCA1 is on the minus strand); deleting any 3 consecutive bases within chr17:43,045,575-43,045,579 gives the same sequence; the c. name uses the placement nearest the transcript's 3' end. VCF-style (leftmost placement, unchanged base first): chr17-43045574-CAGT-C. GRCh37 (hg19) VCF-style: chr17-41197591-CAGT-C.
Other names: c.*99_*101delCTA (NM_001407571.1, NM_001407581.1, NM_001407582.1 and 347 more transcripts); c.*205_*207delCTA (NM_001407854.1, NM_001407858.1, NM_001407859.1 and 13 more transcripts); c.*101_*103del (NM_007297.4, NM_007300.4); c.*207_*209del (NM_007299.4); c.*101_*103delACT (NM_007294.3).
Identifiers: ClinVar variation 928073 (VCV000928073.9), dbSNP rs2050846220, ClinGen allele CA983865013.

ClinVar aggregate classification (germline): Uncertain significance. Review status: criteria provided, multiple submitters, no conflicts (2 of 4 stars). 3 submissions from 3 submitters: Uncertain significance (3). Last evaluated 2026-06-22.

Conditions:
Hereditary cancer-predisposing syndrome. Also called: Hereditary neoplastic syndrome; Tumor predisposition; Neoplastic Syndromes, Hereditary; Hereditary Cancer Syndrome. Identifiers: Orphanet 140162, MedGen C0027672, MeSH D009386, MONDO:0015356.
Breast-ovarian cancer, familial, susceptibility to, 1 (BROVCA1). Also called: BRCA1 Hereditary Breast and Ovarian Cancer; OVARIAN CANCER, SUSCEPTIBILITY TO. Identifiers: Orphanet 145, MedGen C2676676, MONDO:0011450, OMIM 604370. Disease mechanism: loss of function.
BRCA1-related disorder. Also called: BRCA1-related condition.

Submissions (3):

PreventionGenetics, part of Exact Sciences
Classification: Uncertain significance for BRCA1-related condition. Last evaluated: 2026-06-22. Review status: criteria provided, single submitter. Criteria: ACMG Guidelines, 2015. Collection method: clinical testing. Allele origin: germline.
Comment: The BRCA1 c.*101_*103delACT variant is located in the 3' untranslated region. To our knowledge, this variant has not been reported in the literature or in a large population database (gnomAD), indicating this variant is rare. This variant is interpreted as uncertain in ClinVar (Variation ID: 928073). At this time, the clinical significance of this variant is uncertain due to the absence of conclusive functional and genetic evidence.

Color Diagnostics, LLC DBA Color Health
Classification: Uncertain significance for Hereditary cancer-predisposing syndrome. Last evaluated: 2025-09-30. Review status: criteria provided, single submitter. Criteria: ACMG Guidelines, 2015. Collection method: clinical testing. Allele origin: germline.
Comment: This variant causes a 3-nucleotide deletion in the 3' untranslated region in the BRCA1 gene. To our knowledge, functional studies have not been reported for this variant. This variant has not been reported in individuals affected with hereditary cancer in the literature. This variant has not been identified in the general population by the Genome Aggregation Database (gnomAD). The available evidence is insufficient to determine the role of this variant in disease conclusively. Therefore, this variant is classified as a Variant of Uncertain Significance.

All of Us Research Program, National Institutes of Health
Classification: Uncertain significance for Breast-ovarian cancer, familial, susceptibility to, 1. Last evaluated: 2023-08-15. Review status: criteria provided, single submitter. Criteria: ACMG Guidelines, 2015. Collection method: clinical testing. Allele origin: germline. Inheritance: Autosomal dominant inheritance. Observed: 1 variant allele, 1 heterozygote.
Comment: This variant causes a 3-nucleotide deletion in the 3' untranslated region in the BRCA1 gene. To our knowledge, functional studies have not been reported for this variant. This variant has not been reported in individuals affected with hereditary cancer in the literature. This variant has not been identified in the general population by the Genome Aggregation Database (gnomAD). The available evidence is insufficient to determine the role of this variant in disease conclusively. Therefore, this variant is classified as a Variant of Uncertain Significance.

This study involves interpretation of variants in research participants for the purpose of population health screening. Participant phenotype was not available at the time of variant classification. Additional details can be found in publication PMID: 35346344, PMCID: PMC8962531